The following is an entry in ClinVar:

ClinVar aggregate classification (germline): Pathogenic (1 of 4 stars; one submission).

Submission:

Labcorp Genetics (formerly Invitae), Labcorp
Classification: Pathogenic. Last evaluated: 2025-06-17. Review status: criteria provided, single submitter. Criteria: Invitae Variant Classification Sherloc (09022015). Collection method: clinical testing. Allele origin: germline.
Comment: This sequence change creates a premature translational stop signal (p.Ser574Metfs*5) in the KIF11 gene. It is expected to result in an absent or disrupted protein product. Loss-of-function variants in KIF11 are known to be pathogenic (PMID: 22284827, 24281367). This variant is not present in population databases (gnomAD no frequency). This variant has not been reported in the literature in individuals affected with KIF11-related conditions. For these reasons, this variant has been classified as Pathogenic.

Literature cited by the submitters: PubMed 22284827; PubMed 24281367.

NM_004523.4(KIF11):c.1721del (p.Ser574fs)

Gene: KIF11 (kinesin family member 11; plus strand). Cytogenetic location: 10q23.33.
Variant type: Deletion.
Coding change: c.1721del on transcript NM_004523.4 (MANE Select); coding-DNA position 1721, one base deleted (G; older notation c.1721delG).
Protein change: p.Ser574fs; shifts the reading frame from serine 574.
Molecular consequence: frameshift variant.
Genome position (GRCh38, 1-based): chr10:92,633,641, G deleted. VCF-style (leftmost placement, unchanged base first): chr10-92633640-AG-A. GRCh37 (hg19) VCF-style: chr10-94393397-AG-A.
Other names: short protein forms S574fs.
Identifiers: ClinVar variation 4721592 (VCV004721592.1).